The following is an entry in ClinVar:

NM_000557.5(GDF5):c.1388C>T (p.Pro463Leu)

Genes: GDF5 (growth differentiation factor 5; minus strand), GDF5-AS1 (GDF5 antisense RNA 1; plus strand). Cytogenetic location: 20q11.22.
Variant type: single nucleotide variant.
Coding change: c.1388C>T on transcript NM_000557.5 (MANE Select); coding-DNA position 1388, C replaced by T.
Protein change: p.Pro463Leu; replaces proline 463 with leucine.
Molecular consequence: missense variant. On other transcripts: non-coding transcript variant (1).
Genome position (GRCh38, 1-based): chr20:35,434,027, G>A on the plus strand (C>T on the coding strand, the complement: GDF5 is on the minus strand). VCF-style: chr20-35434027-G-A. GRCh37 (hg19) VCF-style: chr20-34021825-G-A.
Other names: c.1388C>T, p.Pro463Leu (NM_001319138.2); short protein forms P463L.
Identifiers: ClinVar variation 3675992 (VCV003675992.2).

ClinVar aggregate classification (germline): Uncertain significance (1 of 4 stars; one submission).

Submission:

Labcorp Genetics (formerly Invitae), Labcorp
Classification: Uncertain significance. Last evaluated: 2024-11-03. Review status: criteria provided, single submitter. Criteria: Invitae Variant Classification Sherloc (09022015). Collection method: clinical testing. Allele origin: germline.
Comment: This sequence change replaces proline, which is neutral and non-polar, with leucine, which is neutral and non-polar, at codon 463 of the GDF5 protein (p.Pro463Leu). This variant is not present in population databases (gnomAD no frequency). This variant has not been reported in the literature in individuals affected with GDF5-related conditions. Invitae Evidence Modeling of protein sequence and biophysical properties (such as structural, functional, and spatial information, amino acid conservation, physicochemical variation, residue mobility, and thermodynamic stability) indicates that this missense variant is expected to disrupt GDF5 protein function with a positive predictive value of 80%. In summary, the available evidence is currently insufficient to determine the role of this variant in disease. Therefore, it has been classified as a Variant of Uncertain Significance.